The following is an entry in ClinVar:

ClinVar aggregate classification (germline): Uncertain significance (1 of 4 stars; one submission).

Submission:

GeneDx
Classification: Uncertain significance. Last evaluated: 2025-05-12. Review status: criteria provided, single submitter. Criteria: GeneDx Variant Classification Process June 2021. Collection method: clinical testing. Allele origin: germline. Affected: yes.
Comment: Not observed at significant frequency in large population cohorts (gnomAD); In silico analysis supports that this missense variant has a deleterious effect on protein structure/function; Has not been previously published as pathogenic or benign to our knowledge

NM_001127222.2(CACNA1A):c.4952A>T (p.Asn1651Ile)

Gene: CACNA1A (calcium voltage-gated channel subunit alpha1 A; minus strand). Cytogenetic location: 19p13.13.
Variant type: single nucleotide variant.
Coding change: c.4952A>T on transcript NM_001127222.2 (MANE Select); coding-DNA position 4952, A replaced by T.
Protein change: p.Asn1651Ile; replaces asparagine 1651 with isoleucine.
Molecular consequence: missense variant.
Genome position (GRCh38, 1-based): chr19:13,235,729, T>A on the plus strand (A>T on the coding strand, the complement: CACNA1A is on the minus strand). VCF-style: chr19-13235729-T-A. GRCh37 (hg19) VCF-style: chr19-13346543-T-A.
Other names: c.4970A>T, p.Asn1657Ile (NM_000068.4, NM_023035.3); c.4955A>T, p.Asn1652Ile (NM_001127221.2); c.4961A>T, p.Asn1654Ile (NM_001174080.2); short protein forms N1651I, N1652I, N1654I, N1657I.
Identifiers: ClinVar variation 4529985 (VCV004529985.1).